The following is an entry in ClinVar:

ClinVar aggregate classification (germline): Pathogenic (1 of 4 stars; one submission).

Conditions:
Meckel-Gruber syndrome. Also called: Dysencephalia splachnocystica; DYSENCEPHALIA SPLANCHNOCYSTICA; GRUBER SYNDROME. Identifiers: Orphanet 564, MedGen C0265215, MONDO:0018921.
Nephronophthisis. Also called: Juvenile Nephronophthisis. Identifiers: Orphanet 655, MedGen C0687120, MONDO:0019005, HP:0000090.
Joubert syndrome. Also called: Familial aplasia of the vermis; CEREBELLOPARENCHYMAL DISORDER IV; JOUBERT-BOLTSHAUSER SYNDROME. Identifiers: Orphanet 475, MedGen C5979921, MONDO:0018772.

Submission:

Labcorp Genetics (formerly Invitae), Labcorp
Classification: Pathogenic for Joubert syndrome; Meckel-Gruber syndrome; Nephronophthisis. Last evaluated: 2022-08-22. Review status: criteria provided, single submitter. Criteria: Invitae Variant Classification Sherloc (09022015). Collection method: clinical testing. Allele origin: germline.
Comment: For these reasons, this variant has been classified as Pathogenic. Algorithms developed to predict the effect of sequence changes on RNA splicing suggest that this variant may disrupt the consensus splice site. ClinVar contains an entry for this variant (Variation ID: 934584). This variant has not been reported in the literature in individuals affected with CEP290-related conditions. This variant is not present in population databases (gnomAD no frequency). This sequence change creates a premature translational stop signal (p.Ala1603Glyfs*21) in the CEP290 gene. It is expected to result in an absent or disrupted protein product. Loss-of-function variants in CEP290 are known to be pathogenic (PMID: 16909394, 17345604, 20690115).

Literature cited by the submitters: PubMed 16909394; PubMed 17345604; PubMed 20690115.

NM_025114.4(CEP290):c.4808_4812del (p.Ala1603fs)

Gene: CEP290 (centrosomal protein 290; minus strand). Cytogenetic location: 12q21.32.
Variant type: Deletion.
Coding change: c.4808_4812del on transcript NM_025114.4 (MANE Select); coding-DNA positions 4808 to 4812, 5 bases deleted (CTTGG; older notation c.4808_4812delCTTGG).
Protein change: p.Ala1603fs; shifts the reading frame from alanine 1603.
Molecular consequence: frameshift variant.
Genome position (GRCh38, 1-based): chr12:88,083,847-88,083,851, CCAAG deleted on the plus strand (CTTGG on the coding strand, the reverse complement: CEP290 is on the minus strand); deleting any 5 consecutive bases within chr12:88,083,847-88,083,853 gives the same sequence; the c. name uses the placement nearest the transcript's 3' end. VCF-style (leftmost placement, unchanged base first): chr12-88083846-CCCAAG-C. GRCh37 (hg19) VCF-style: chr12-88477623-CCCAAG-C.
Other names: short protein forms A1603fs.
Identifiers: ClinVar variation 934584 (VCV000934584.8), dbSNP rs2036372197, ClinGen allele CA1139662799.
Genomic context (GRCh38, chr12:88,083,846, plus strand): 5'-ATTTTAATTTACATGGTCACAAAAATCAATAAAGAATGGAACAAAGTTCTTAGAATCTTA[CCCAAG>C]CCGTTTGTTTGAATTTATTTAGTGAACTATCAGCCTGTAGTTCTAATCTGTGATGAAGAA-3'